The following is an entry in ClinVar:

NM_018319.4(TDP1):c.-230-14C>A

Gene: TDP1 (tyrosyl-DNA phosphodiesterase 1; plus strand). Cytogenetic location: 14q32.11.
Variant type: single nucleotide variant.
Coding change: c.-230-14C>A on transcript NM_018319.4 (MANE Select); 14 bases into the intron before 230 bases upstream of the start codon, C replaced by A.
Molecular consequence: intron variant.
Genome position (GRCh38, 1-based): chr14:89,956,564, C>A. VCF-style: chr14-89956564-C-A. GRCh37 (hg19) VCF-style: chr14-90422908-C-A.
Other names: NC_000014.8:g.90422908C>A; c.-8+286C>A (NM_001330205.2); c.-8+594C>A (NM_001008744.2).
Identifiers: ClinVar variation 314815 (VCV000314815.7), dbSNP rs28365055, ClinGen allele CA10645236.

ClinVar aggregate classification (germline): Benign. Review status: criteria provided, multiple submitters, no conflicts (2 of 4 stars). 2 submissions from 2 submitters: Benign (2). Last evaluated 2018-01-13.

Conditions:
Spinocerebellar ataxia, autosomal recessive, with axonal neuropathy 1 (SCAN1). Identifiers: Orphanet 94124, MedGen C4759870, MONDO:0011801, OMIM 607250.

Allele frequency attached by ClinVar (database versions not stated): gnomAD exomes 0.12500; gnomAD 0.25341 and 0.25524; TOPMed 0.27769; 1000 Genomes Project 0.33966; 1000 Genomes Project 30x 0.34853.
gnomAD v4.1: 38,280 of 152,240 alleles (25%); highest among the groups gnomAD compares: African/African-American, 56%; 8,005 homozygotes.

Submissions (12):

Illumina Laboratory Services, Illumina
Classification: Benign for Spinocerebellar ataxia, autosomal recessive, with axonal neuropathy 1. Last evaluated: 2018-01-13. Review status: criteria provided, single submitter. Criteria: ICSL Variant Classification Criteria 13 December 2019. Collection method: clinical testing. Allele origin: germline.
Comment: This variant was observed in the ICSL laboratory as part of a predisposition screen in an ostensibly healthy population. It had not been previously curated by ICSL or reported in the Human Gene Mutation Database (HGMD: prior to June 1st, 2018), and was therefore a candidate for classification through an automated scoring system. Utilizing variant allele frequency, disease prevalence and penetrance estimates, and inheritance mode, an automated score was calculated to assess if this variant is too frequent to cause the disease. Based on the score and internal cut-off values, a variant classified as benign is not then subjected to further curation. The score for this variant resulted in a classification of benign for this disease.

Breakthrough Genomics
Classification: Benign. Review status: criteria provided, single submitter. Criteria: ACMG Guidelines, 2015. Collection method: not provided. Allele origin: germline. Inheritance: Autosomal recessive inheritance. Affected: yes.

Dr. Peter K. Rogan Lab, Western University
No classification provided (evidence only). Condition: Acute myeloid leukemia. Review status: no classification provided. Collection method: in vitro. Allele origin: not applicable. Functional consequence: skipped exon, retained intron. Not counted in ClinVar's aggregate classification.

Dr. Peter K. Rogan Lab, Western University
No classification provided (evidence only). Condition: Acute myeloid leukemia. Review status: no classification provided. Collection method: in vitro. Allele origin: not applicable. Functional consequence: retained intron. Not counted in ClinVar's aggregate classification.

Dr. Peter K. Rogan Lab, Western University
No classification provided (evidence only). Condition: Acute myeloid leukemia. Review status: no classification provided. Collection method: in vitro. Allele origin: not applicable. Functional consequence: skipped exon, retained intron. Not counted in ClinVar's aggregate classification.

Dr. Peter K. Rogan Lab, Western University
No classification provided (evidence only). Condition: Acute myeloid leukemia. Review status: no classification provided. Collection method: in vitro. Allele origin: not applicable. Functional consequence: retained intron. Not counted in ClinVar's aggregate classification.

Dr. Peter K. Rogan Lab, Western University
No classification provided (evidence only). Condition: Acute myeloid leukemia. Review status: no classification provided. Collection method: in vitro. Allele origin: not applicable. Functional consequence: retained intron. Not counted in ClinVar's aggregate classification.

Dr. Peter K. Rogan Lab, Western University
No classification provided (evidence only). Condition: Acute myeloid leukemia. Review status: no classification provided. Collection method: in vitro. Allele origin: not applicable. Functional consequence: skipped exon, retained intron. Not counted in ClinVar's aggregate classification.

Dr. Peter K. Rogan Lab, Western University
No classification provided (evidence only). Condition: Acute myeloid leukemia. Review status: no classification provided. Collection method: in vitro. Allele origin: not applicable. Functional consequence: retained intron. Not counted in ClinVar's aggregate classification.

Dr. Peter K. Rogan Lab, Western University
No classification provided (evidence only). Condition: Uterine corpus endometrial carcinoma. Review status: no classification provided. Collection method: in vitro. Allele origin: not applicable. Functional consequence: retained intron. Not counted in ClinVar's aggregate classification.

Dr. Peter K. Rogan Lab, Western University
No classification provided (evidence only). Condition: Cervical cancer. Review status: no classification provided. Collection method: in vitro. Allele origin: not applicable. Functional consequence: retained intron. Not counted in ClinVar's aggregate classification.

Dr. Peter K. Rogan Lab, Western University
No classification provided (evidence only). Condition: Uterine carcinosarcoma. Review status: no classification provided. Collection method: in vitro. Allele origin: not applicable. Functional consequence: retained intron. Not counted in ClinVar's aggregate classification.